The following is an entry in ClinVar:

ClinVar aggregate classification (germline): Conflicting classifications of pathogenicity. Review status: criteria provided, conflicting classifications (1 of 4 stars). 2 submissions from 2 submitters: Uncertain significance (1); Likely benign (1). Last evaluated 2025-12-06.

Conditions:
Combined immunodeficiency due to LRBA deficiency. Also called: Common variable immunodeficiency 8, with autoimmunity. Identifiers: Orphanet 445018, MedGen C3553512, MONDO:0013863, OMIM 614700.

Allele frequency attached by ClinVar (database versions not stated): TOPMed 0.00003; gnomAD 0.00007; ExAC 0.00033; 1000 Genomes Project 30x 0.00047; 1000 Genomes Project 0.00060.
gnomAD v4.1: 187 of 1,613,964 alleles (0.012%); highest among the groups gnomAD compares: South Asian, 0.19%; 2 homozygotes.

Submissions (2):

Mayo Clinic Laboratories, Mayo Clinic
Classification: Uncertain significance. Last evaluated: 2025-12-06. Review status: criteria provided, single submitter. Criteria: ACMG Guidelines, 2015. Collection method: clinical testing. Allele origin: germline. Observed: 1 variant allele.
Comment: BS1

Labcorp Genetics (formerly Invitae), Labcorp
Classification: Likely benign for Combined immunodeficiency due to LRBA deficiency. Last evaluated: 2023-10-14. Review status: criteria provided, single submitter. Criteria: Invitae Variant Classification Sherloc (09022015). Collection method: clinical testing. Allele origin: germline.

NM_001364905.1(LRBA):c.3899G>T (p.Arg1300Ile)

Gene: LRBA (LPS responsive beige-like anchor protein; minus strand). Cytogenetic location: 4q31.3.
Variant type: single nucleotide variant.
Coding change: c.3899G>T on transcript NM_001364905.1 (MANE Select); coding-DNA position 3899, G replaced by T.
Protein change: p.Arg1300Ile; replaces arginine 1300 with isoleucine.
Molecular consequence: missense variant.
Genome position (GRCh38, 1-based): chr4:150,850,829, C>A on the plus strand (G>T on the coding strand, the complement: LRBA is on the minus strand). VCF-style: chr4-150850829-C-A. GRCh37 (hg19) VCF-style: chr4-151771981-C-A.
Other names: p.Arg1300Ile; c.3899G>T, p.Arg1300Ile (NM_001199282.3, NM_001367550.1, NM_006726.5); short protein forms R1300I.
Identifiers: ClinVar variation 2192843 (VCV002192843.5), dbSNP rs537530179, ClinGen allele CA3102959.